The following is an entry in ClinVar:

ClinVar aggregate classification (germline): Pathogenic (1 of 4 stars; one submission).

Conditions:
Fanconi anemia (FA). Also called: Fanconi's anemia. Identifiers: Orphanet 84, MedGen C0015625, MeSH D005199, MONDO:0019391.

Allele frequency attached by ClinVar (database versions not stated): gnomAD 0.00001; ExAC 0.00003; gnomAD exomes 0.00001; TOPMed 0.00001.

Submission:

Labcorp Genetics (formerly Invitae), Labcorp
Classification: Pathogenic for Fanconi anemia. Last evaluated: 2024-07-16. Review status: criteria provided, single submitter. Criteria: Invitae Variant Classification Sherloc (09022015). Collection method: clinical testing. Allele origin: germline.
Comment: This sequence change creates a premature translational stop signal (p.Gln1565Profs*16) in the SLX4 gene. It is expected to result in an absent or disrupted protein product. Loss-of-function variants in SLX4 are known to be pathogenic (PMID: 21240277). This variant is present in population databases (rs767572643, gnomAD 0.05%). This variant has not been reported in the literature in individuals affected with SLX4-related conditions. ClinVar contains an entry for this variant (Variation ID: 2046876). For these reasons, this variant has been classified as Pathogenic.

Literature cited by the submitters: PubMed 21240277.

NM_032444.4(SLX4):c.4693dup (p.Gln1565fs)

Gene: SLX4 (SLX4 structure-specific endonuclease subunit; minus strand). Cytogenetic location: 16p13.3.
Variant type: Duplication.
Coding change: c.4693dup on transcript NM_032444.4 (MANE Select); coding-DNA position 4693, one base duplicated (C; older notation c.4693dupC).
Protein change: p.Gln1565fs; shifts the reading frame from glutamine 1565.
Molecular consequence: frameshift variant.
Genome position (GRCh38, 1-based): chr16:3,584,815, G duplicated on the plus strand (C on the coding strand, the reverse complement: SLX4 is on the minus strand). VCF-style (leftmost placement, unchanged base first): chr16-3584814-T-TG. GRCh37 (hg19) VCF-style: chr16-3634815-T-TG.
Other names: short protein forms Q1565fs.
Identifiers: ClinVar variation 2046876 (VCV002046876.4), dbSNP rs767572643, ClinGen allele CA7865548.
Genomic context (GRCh38, chr16:3,584,814, plus strand): 5'-TTGAAGACCGCCAACCTATCCAGTTCCTTCTTCAGCACCGGCGTCTCCATAATGGAATAC[T>TG]GTGGCATCGGCGTTATGGGCACTTTGGGGGGCAAGTTCTTCTTCCGATTAGCACCTTCTG-3'